The following is an entry in ClinVar:

ClinVar aggregate classification (germline): Uncertain significance (1 of 4 stars; one submission).

Conditions:
Developmental and epileptic encephalopathy, 23 (DEE23). Also called: Epileptic encephalopathy, early infantile, 23. Identifiers: Orphanet 411986, MedGen C4014492, MONDO:0014371, OMIM 615859.

Allele frequency attached by ClinVar (database versions not stated): gnomAD exomes below 0.00001; ExAC 0.00001; TOPMed 0.00001; ESP Exome Variant Server 0.00008.
gnomAD v4.1: 2 of 1,613,952 alleles (0.00012%); highest among the groups gnomAD compares: Non-Finnish European, 0.00017%; no homozygotes.

Submission:

Labcorp Genetics (formerly Invitae), Labcorp
Classification: Uncertain significance for Developmental and epileptic encephalopathy, 23. Last evaluated: 2020-08-08. Review status: criteria provided, single submitter. Criteria: Invitae Variant Classification Sherloc (09022015). Collection method: clinical testing. Allele origin: germline.
Comment: In summary, the available evidence is currently insufficient to determine the role of this variant in disease. Therefore, it has been classified as a Variant of Uncertain Significance. Algorithms developed to predict the effect of missense changes on protein structure and function are either unavailable or do not agree on the potential impact of this missense change (SIFT: "Tolerated"; PolyPhen-2: "Possibly Damaging"; Align-GVGD: "Class C0"). This variant has not been reported in the literature in individuals with DOCK7-related conditions. This variant is present in population databases (rs370549803, ExAC 0.001%). This sequence change replaces alanine with proline at codon 465 of the DOCK7 protein (p.Ala465Pro). The alanine residue is moderately conserved and there is a small physicochemical difference between alanine and proline.

NM_001367561.1(DOCK7):c.1393G>C (p.Ala465Pro)

Gene: DOCK7 (dedicator of cytokinesis 7; minus strand). Cytogenetic location: 1p31.3.
Variant type: single nucleotide variant.
Coding change: c.1393G>C on transcript NM_001367561.1 (MANE Select); coding-DNA position 1393, G replaced by C.
Protein change: p.Ala465Pro; replaces alanine 465 with proline.
Molecular consequence: missense variant.
Genome position (GRCh38, 1-based): chr1:62,625,291, C>G on the plus strand (G>C on the coding strand, the complement: DOCK7 is on the minus strand). VCF-style: chr1-62625291-C-G. GRCh37 (hg19) VCF-style: chr1-63090962-C-G.
Other names: c.1393G>C, p.Ala465Pro (NM_001271999.2, NM_001272000.2, NM_001272001.2 and 3 more transcripts); short protein forms A465P.
Identifiers: ClinVar variation 1044051 (VCV001044051.9), dbSNP rs370549803, ClinGen allele CA886964.